The following is an entry in ClinVar:

ClinVar aggregate classification (germline): Benign/Likely benign. Review status: criteria provided, multiple submitters, no conflicts (2 of 4 stars). 4 submissions from 4 submitters: Benign (2); Likely benign (2). Last evaluated 2026-09-16.

Conditions:
Infantile-onset X-linked spinal muscular atrophy. Also called: Spinal muscular atrophy, X-linked 2; AMC, DISTAL, X-LINKED; ARTHROGRYPOSIS, X-LINKED, TYPE I; SPINAL MUSCULAR ATROPHY, X-LINKED LETHAL INFANTILE; Spinal Muscular Atrophy, X-Linked Infantile. Identifiers: Orphanet 1145, MedGen C1844934, MONDO:0010532, OMIM 301830.
UBA1-related disorder. Also called: UBA1-related condition.

Allele frequency attached by ClinVar (database versions not stated): gnomAD 0.00001 and 0.00007; TOPMed 0.00001; 1000 Genomes Project 30x 0.00021; 1000 Genomes Project 0.00026; gnomAD exomes 0.00030 and 0.00057; ExAC 0.00066.
gnomAD v4.1: 333 of 1,210,850 alleles (0.028%); highest among the groups gnomAD compares: South Asian, 0.55%; no homozygotes.

Submissions (4):

PreventionGenetics, part of Exact Sciences
Classification: Likely benign for UBA1-related condition. Last evaluated: 2026-09-16. Review status: criteria provided, single submitter. Criteria: ACMG Guidelines, 2015. Collection method: clinical testing. Allele origin: germline.
Comment: This variant is classified as likely benign based on ACMG/AMP sequence variant interpretation guidelines (Richards et al. 2015 PMID: 25741868, with internal and published modifications).

Labcorp Genetics (formerly Invitae), Labcorp
Classification: Benign for Infantile-onset X-linked spinal muscular atrophy. Last evaluated: 2025-10-17. Review status: criteria provided, single submitter. Criteria: Invitae Variant Classification Sherloc (09022015). Collection method: clinical testing. Allele origin: germline.

Mayo Clinic Laboratories, Mayo Clinic
Classification: Benign. Last evaluated: 2025-03-06. Review status: criteria provided, single submitter. Criteria: ACMG Guidelines, 2015. Collection method: clinical testing. Allele origin: germline. Observed: 1 variant allele.
Comment: BS1, BS2, BP4

GeneDx
Classification: Likely benign. Last evaluated: 2017-01-26. Review status: criteria provided, single submitter. Criteria: GeneDx Variant Classification (06012015). Collection method: clinical testing. Allele origin: germline. Affected: yes.
Comment: This variant is considered likely benign or benign based on one or more of the following criteria: it is a conservative change, it occurs at a poorly conserved position in the protein, it is predicted to be benign by multiple in silico algorithms, and/or has population frequency not consistent with disease.

NM_003334.4(UBA1):c.206G>A (p.Arg69Gln)

Genes: UBA1 (ubiquitin like modifier activating enzyme 1; plus strand), LOC126863253 (CDK7 strongly-dependent group 2 enhancer GRCh37_chrX:47057593-47058792; plus strand). Cytogenetic location: Xp11.3.
Variant type: single nucleotide variant.
Coding change: c.206G>A on transcript NM_003334.4 (MANE Select); coding-DNA position 206, G replaced by A.
Protein change: p.Arg69Gln; replaces arginine 69 with glutamine.
Molecular consequence: missense variant.
Genome position (GRCh38, 1-based): chrX:47,199,238, G>A. VCF-style: chrX-47199238-G-A. GRCh37 (hg19) VCF-style: chrX-47058637-G-A.
Other names: p.Arg69Gln; c.206G>A, p.Arg69Gln (NM_153280.3); short protein forms R69Q.
Identifiers: ClinVar variation 506924 (VCV000506924.14), dbSNP rs782425809, ClinGen allele CA10395628.